The following is an entry in ClinVar:

NM_001164508.2(NEB):c.5181C>T (p.Tyr1727=)

Gene: NEB (nebulin; minus strand). Cytogenetic location: 2q23.3.
Variant type: single nucleotide variant.
Coding change: c.5181C>T on transcript NM_001164508.2 (MANE Select); coding-DNA position 5181, C replaced by T.
Protein change: p.Tyr1727=; no amino-acid change (tyrosine 1727 retained).
Molecular consequence: synonymous variant.
Genome position (GRCh38, 1-based): chr2:151,665,390, G>A on the plus strand (C>T on the coding strand, the complement: NEB is on the minus strand). VCF-style: chr2-151665390-G-A. GRCh37 (hg19) VCF-style: chr2-152521904-G-A.
Other names: c.5181C>T, p.Tyr1727= (NM_001164507.2, NM_001271208.2, NM_004543.5).
Identifiers: ClinVar variation 331507 (VCV000331507.44), dbSNP rs35016946, ClinGen allele CA1910437.
Genomic context (GRCh38, chr2:151,665,390, plus strand): 5'-TACCTTGTCCATGTTCAGTTTGTTACTCTTGTTAAGTGCCTGTTCCATTGTGTCCATGGC[G>A]TAAGTGAACTTCAGCTTCTCGGGGTGCTGGCGATACTTCTTCTCACTAAGAATCTCTCCT-3'
Protein context (NP_001157980.2, residues 1717-1737): RQHPEKLKFT[Tyr1727=]AMDTMEQALN

ClinVar aggregate classification (germline): Conflicting classifications of pathogenicity. Review status: criteria provided, conflicting classifications (1 of 4 stars). 6 submissions from 6 submitters: Uncertain significance (1); Likely benign (3). 2 of the submissions do not count toward it. Last evaluated 2026-08-01.

Conditions:
Nemaline myopathy 2 (NEM2). Also called: Nemaline myopathy 2, autosomal recessive. Identifiers: MedGen C1850569, MONDO:0009725, OMIM 256030.
NEB-related disorder. Also called: NEB-Related Disorders; NEB-related condition.

Allele frequency attached by ClinVar (database versions not stated): gnomAD 0.00024 and 0.00023; ExAC 0.00026; gnomAD exomes 0.00028 and 0.00041; ESP Exome Variant Server 0.00048; TOPMed 0.00021.
gnomAD v4.1: 619 of 1,613,510 alleles (0.038%); highest among the groups gnomAD compares: Non-Finnish European, 0.048%; no homozygotes.

Submissions (6):

CeGaT Center for Human Genetics Tuebingen
Classification: Likely benign. Last evaluated: 2026-08-01. Review status: criteria provided, single submitter. Criteria: CeGaT Center For Human Genetics Tuebingen Variant Classification Criteria Version 2. Collection method: clinical testing. Allele origin: germline. Affected: yes. Observed: 5 variant alleles.
Comment: NEB: BP4, BP7

Labcorp Genetics (formerly Invitae), Labcorp
Classification: Likely benign for Nemaline myopathy 2. Last evaluated: 2026-02-04. Review status: criteria provided, single submitter. Criteria: Invitae Variant Classification Sherloc (09022015). Collection method: clinical testing. Allele origin: germline.

GeneDx
Classification: Likely benign. Last evaluated: 2020-02-24. Review status: criteria provided, single submitter. Criteria: GeneDx Variant Classification Process June 2021. Collection method: clinical testing. Allele origin: germline. Affected: yes.

Illumina Laboratory Services, Illumina
Classification: Uncertain significance for Nemaline myopathy 2. Last evaluated: 2018-01-13. Review status: criteria provided, single submitter. Criteria: ICSL Variant Classification Criteria 13 December 2019. Collection method: clinical testing. Allele origin: germline.

Natera, Inc.
Classification: Likely benign for Nemaline myopathy type 2. Last evaluated: 2020-05-02. Review status: no assertion criteria provided. Collection method: clinical testing. Allele origin: germline. Not counted in ClinVar's aggregate classification.

PreventionGenetics, part of Exact Sciences
Classification: Likely benign for NEB-related condition. Last evaluated: 2019-04-09. Review status: no assertion criteria provided. Collection method: clinical testing. Allele origin: germline. Not counted in ClinVar's aggregate classification.
Comment: This variant is classified as likely benign based on ACMG/AMP sequence variant interpretation guidelines (Richards et al. 2015 PMID: 25741868, with internal and published modifications).